The following is an entry in ClinVar:

ClinVar aggregate classification (germline): Likely pathogenic (1 of 4 stars; one submission).

Conditions:
GREB1L-related disorder. Also called: GREB1L-related condition.

Submission:

Daryl Scott Lab, Baylor College of Medicine
Classification: Likely pathogenic for GREB1L-related disorder. Last evaluated: 2024-01-01. Review status: criteria provided, single submitter. Criteria: ACMG Guidelines, 2015. Collection method: clinical testing. Allele origin: unknown. Affected: yes. Observed: 1 heterozygote.
Comment: PVS1, PM2

NM_001142966.3(GREB1L):c.1873del (p.Glu625fs)

Gene: GREB1L (GREB1 like retinoic acid receptor coactivator; plus strand). Cytogenetic location: 18q11.1.
Variant type: Deletion.
Coding change: c.1873del on transcript NM_001142966.3 (MANE Select); coding-DNA position 1873, one base deleted (G; older notation c.1873delG).
Protein change: p.Glu625fs; shifts the reading frame from glutamic acid 625.
Molecular consequence: frameshift variant.
Genome position (GRCh38, 1-based): chr18:21,452,106, G deleted; the last of 2 consecutive G bases (chr18:21,452,105-21,452,106); deleting either gives the same sequence. VCF-style (leftmost placement, unchanged base first): chr18-21452104-TG-T. GRCh37 (hg19) VCF-style: chr18-19032065-TG-T.
Other names: c.2002del, p.Glu668fs (NM_001410867.1); c.1546del, p.Glu516fs (NM_001410868.1); short protein forms E516fs, E625fs, E668fs.
Identifiers: ClinVar variation 3764621 (VCV003764621.1).